The following is an entry in ClinVar:

ClinVar aggregate classification (germline): Pathogenic. Review status: criteria provided, multiple submitters, no conflicts (2 of 4 stars). 7 submissions from 7 submitters: Pathogenic (4). 3 of the submissions do not count toward it. Last evaluated 2025-07-01.

Conditions:
PCCA-related disorder. Also called: PCCA-related condition.
Propionic acidemia (PROP). Also called: HYPERGLYCINEMIA WITH KETOACIDOSIS AND LEUKOPENIA; KETOTIC HYPERGLYCINEMIA; GLYCINEMIA, KETOTIC. Identifiers: Orphanet 35, MedGen C0268579, MONDO:0011628, OMIM 606054, HP:0003571.

Allele frequency attached by ClinVar (database versions not stated): gnomAD exomes 0.00001.
gnomAD v4.1: 9 of 1,538,178 alleles (0.00059%); highest among the groups gnomAD compares: South Asian, 0.0036%; no homozygotes.

Submissions (8):

CeGaT Center for Human Genetics Tuebingen
Classification: Pathogenic. Last evaluated: 2025-07-01. Review status: criteria provided, single submitter. Criteria: CeGaT Center For Human Genetics Tuebingen Variant Classification Criteria Version 2. Collection method: clinical testing. Allele origin: germline. Affected: yes. Observed: 2 variant alleles.
Comment: PCCA: PVS1, PM3:Strong, PM2, PP4:Moderate

Revvity Omics, Revvity
Classification: Pathogenic for Propionic acidemia. Last evaluated: 2024-04-09. Review status: criteria provided, single submitter. Criteria: ACMG Guidelines, 2015. Collection method: clinical testing. Allele origin: germline.

Labcorp Genetics (formerly Invitae), Labcorp
Classification: Pathogenic for Propionic acidemia. Last evaluated: 2023-12-04. Review status: criteria provided, single submitter. Criteria: Invitae Variant Classification Sherloc (09022015). Collection method: clinical testing. Allele origin: germline.
Comment: This sequence change creates a premature translational stop signal (p.Arg619*) in the PCCA gene. It is expected to result in an absent or disrupted protein product. Loss-of-function variants in PCCA are known to be pathogenic (PMID: 15464417). This variant is present in population databases (no rsID available, gnomAD 0.004%). This premature translational stop signal has been observed in individual(s) with propionic acidemia (PMID: 24464666). ClinVar contains an entry for this variant (Variation ID: 553941). For these reasons, this variant has been classified as Pathogenic.

Baylor Genetics
Classification: Pathogenic for Propionic acidemia. Last evaluated: 2023-05-01. Review status: criteria provided, single submitter. Criteria: ACMG Guidelines, 2015. Collection method: clinical testing. Allele origin: unknown.

PreventionGenetics, part of Exact Sciences
Classification: Likely pathogenic for PCCA-related condition. Last evaluated: 2024-01-19. Review status: no assertion criteria provided. Collection method: clinical testing. Allele origin: germline. Not counted in ClinVar's aggregate classification.
Comment: The PCCA c.1855C>T variant is predicted to result in premature protein termination (p.Arg619*). This variant has been reported in an individual with propionic acidemia (Table 1, Vatanavicharn et al. 2014. PubMed ID: 24464666). This variant is reported in 0.0088% of alleles in individuals of South Asian descent in gnomAD. Nonsense variants in PCCA are expected to be pathogenic. This variant is interpreted as likely pathogenic.

Counsyl
Classification: Likely pathogenic for Propionic acidemia. Last evaluated: 2017-09-20. Review status: no assertion criteria provided. Collection method: clinical testing. Allele origin: unknown. Not counted in ClinVar's aggregate classification.

Dr. Peter K. Rogan Lab, Western University
No classification provided (evidence only). Condition: Uterine corpus endometrial carcinoma. Review status: no classification provided. Collection method: in vitro. Allele origin: not applicable. Functional consequence: skipped exon, retained intron. Not counted in ClinVar's aggregate classification.

Hong-Tao Li Lab, Institute of Brain Science and Brain-inspired Research, Shandong First Medical University & Shandong Academy of Medical Sciences China
Classification: Pathogenic for Propionic acidemia. Review status: no assertion criteria provided. Collection method: research. Allele origin: germline. Inheritance: Autosomal recessive inheritance. Affected: yes. Observed: 1 variant allele, 1 homozygote. Not counted in ClinVar's aggregate classification.
Comment: Observed in affected individuals from a Pakistani neurodevelopmental-disorder research cohort of 263 individuals. Classification assigned using the ACMG/AMP framework. Population-frequency evidence: gnomAD AF 1.304e-05.

Literature cited by the submitters: PubMed 15464417 (cited by Labcorp Genetics (formerly Invitae), Labcorp); PubMed 24464666 (cited by Labcorp Genetics (formerly Invitae), Labcorp and Counsyl).

NM_000282.4(PCCA):c.1855C>T (p.Arg619Ter)

Gene: PCCA (propionyl-CoA carboxylase subunit alpha; plus strand). Cytogenetic location: 13q32.3.
Variant type: single nucleotide variant.
Coding change: c.1855C>T on transcript NM_000282.4 (MANE Select); coding-DNA position 1855, C replaced by T.
Protein change: p.Arg619Ter; replaces arginine 619 with a stop codon.
Molecular consequence: nonsense. On other transcripts: non-coding transcript variant (5), intron variant (2).
Genome position (GRCh38, 1-based): chr13:100,449,261, C>T. VCF-style: chr13-100449261-C-T. GRCh37 (hg19) VCF-style: chr13-101101515-C-T.
Other names: c.1777C>T, p.Arg593Ter (NM_001127692.3, NM_001352607.2); c.1855C>T, p.Arg619Ter (NM_001178004.2, NM_001352609.2); c.1711C>T, p.Arg571Ter (NM_001352606.2); c.1633C>T, p.Arg545Ter (NM_001352608.2); c.910C>T, p.Arg304Ter (NM_001352610.2); c.766C>T, p.Arg256Ter (NM_001352612.2); c.1845+23530C>T (NM_001352605.2); c.900+23530C>T (NM_001352611.2); short protein forms R619*, R304*, R545*, R256*, R571*, R593*.
Identifiers: ClinVar variation 553941 (VCV000553941.28), dbSNP rs1194679272, ClinGen allele CA388695938.